The following is an entry in ClinVar:

ClinVar aggregate classification (germline): Likely pathogenic (1 of 4 stars; one submission).

Conditions:
Surfactant metabolism dysfunction, pulmonary, 4 (SMDP4). Also called: PAP DUE TO CSF2RA DEFICIENCY; PULMONARY ALVEOLAR PROTEINOSIS, CONGENITAL, 4; CSF2RA DEFICIENCY. Identifiers: Orphanet 264675, MedGen C2677877, MONDO:0010424, OMIM 300770.

Submission:

First Genomix Gene Laboratory, Genetic Diagnostics Department
Classification: Likely pathogenic for Surfactant metabolism dysfunction, pulmonary, 4. Last evaluated: 2025-05-23. Review status: criteria provided, single submitter. Criteria: ACMG Guidelines, 2015. Collection method: clinical testing. Allele origin: germline. Inheritance: Autosomal recessive inheritance. Affected: no. Observed: 1 variant allele.

NM_172245.4(CSF2RA):c.220-1G>C

Gene: CSF2RA (colony stimulating factor 2 receptor subunit alpha; plus strand). Cytogenetic location: Xp22.33.
Variant type: single nucleotide variant.
Coding change: c.220-1G>C on transcript NM_172245.4 (MANE Select); the canonical splice acceptor site of the intron before coding-DNA position 220, G replaced by C.
Molecular consequence: splice acceptor variant.
Genome position (GRCh38, 1-based): chrX:1,288,518, G>C. VCF-style: chrX-1288518-G-C. GRCh37 (hg19) VCF-style: chrX-1407411-G-C.
Other names: c.220-1G>C (NM_001379163.1, NM_001379159.1, NM_001379162.1 and 20 more transcripts); c.-180-1G>C (NM_001161532.2).
Identifiers: ClinVar variation 4849453 (VCV004849453.1).